The following is an entry in ClinVar:

NM_004822.3(NTN1):c.1312G>A (p.Ala438Thr)

Gene: NTN1 (netrin 1; plus strand). Cytogenetic location: 17p13.1.
Variant type: single nucleotide variant.
Coding change: c.1312G>A on transcript NM_004822.3 (MANE Select); coding-DNA position 1312, G replaced by A.
Protein change: p.Ala438Thr; replaces alanine 438 with threonine.
Molecular consequence: missense variant.
Genome position (GRCh38, 1-based): chr17:9,179,911, G>A. VCF-style: chr17-9179911-G-A. GRCh37 (hg19) VCF-style: chr17-9083228-G-A.
Other names: short protein forms A438T.
Identifiers: ClinVar variation 2635897 (VCV002635897.1), dbSNP rs779408192, ClinGen allele CA8381182.
Genomic context (GRCh38, chr17:9,179,911, plus strand): 5'-CAAACCACCGGCCAGTGTCCCTGCAAGGACGGCGTGACGGGTATCACCTGCAACCGCTGC[G>A]CCAAAGGCTACCAGCAGAGCCGCTCTCCCATCGCCCCCTGCATAAGTATGTGTGGGGCAC-3'
Protein context (NP_004813.2, residues 428-448): GVTGITCNRC[Ala438Thr]KGYQQSRSPI

ClinVar aggregate classification (germline): Uncertain significance (1 of 4 stars; one submission).

Conditions:
NTN1-related disorder. Also called: NTN1-related condition.

Allele frequency attached by ClinVar (database versions not stated): ExAC 0.00004.
gnomAD v4.1: 36 of 1,613,856 alleles (0.0022%); highest among the groups gnomAD compares: Middle Eastern, 0.049%; no homozygotes.

Submission:

PreventionGenetics, part of Exact Sciences
Classification: Uncertain significance for NTN1-related condition. Last evaluated: 2023-07-11. Review status: criteria provided, single submitter. Criteria: ACMG Guidelines, 2015. Collection method: clinical testing. Allele origin: germline.
Comment: The NTN1 c.1312G>A variant is predicted to result in the amino acid substitution p.Ala438Thr. To our knowledge, this variant has not been reported in the literature. This variant is reported in 0.0054% of alleles in individuals of East Asian descent in gnomAD. At this time, the clinical significance of this variant is uncertain due to the absence of conclusive functional and genetic evidence.